The following is an entry in ClinVar:

NM_021147.5(CCNO):c.253_262dup (p.Gln88fs)

Genes: CCNO (cyclin O; minus strand), LOC129993895 (ATAC-STARR-seq lymphoblastoid silent region 16013; plus strand). Cytogenetic location: 5q11.2.
Variant type: Microsatellite.
Coding change: c.253_262dup on transcript NM_021147.5 (MANE Select); coding-DNA positions 253 to 262, 10 bases duplicated (GGCCCGGCCC; older notation c.253_262dupGGCCCGGCCC).
Protein change: p.Gln88fs; shifts the reading frame from glutamine 88.
Molecular consequence: frameshift variant. On other transcripts: non-coding transcript variant (2).
Genome position (GRCh38, 1-based): chr5:55,233,262-55,233,271, GGGCCGGGCC duplicated on the plus strand (GGCCCGGCCC on the coding strand, the reverse complement: CCNO is on the minus strand); duplicating any 10 consecutive bases within chr5:55,233,262-55,233,275 gives the same sequence; the c. name uses the placement nearest the transcript's 3' end. VCF-style (leftmost placement, unchanged base first): chr5-55233261-T-TGGGCCGGGCC. GRCh37 (hg19) VCF-style: chr5-54529089-T-TGGGCCGGGCC.
Other names: short protein forms Q88fs.
Identifiers: ClinVar variation 4890701 (VCV004890701.1).

ClinVar aggregate classification (germline): Pathogenic. Review status: criteria provided, single submitter (1 of 4 stars). 2 submissions from 1 submitter: Pathogenic (2). Last evaluated 2026-07-01.

Conditions:
Primary ciliary dyskinesia 29. Also called: CILIARY DYSKINESIA, PRIMARY, 29, WITHOUT SITUS INVERSUS. Identifiers: Orphanet 244, MedGen C4014534, MONDO:0014378, OMIM 615872.
Rutland ciliary disorientation syndrome. Also called: Ciliary discoordination due to random ciliary orientation. Identifiers: Orphanet 244, MedGen C0340038, MONDO:0008984, OMIM 215518.

Submissions (2):

Institute of Human Genetics, University of Leipzig Medical Center
Classification: Pathogenic for Rutland ciliary disorientation syndrome. Last evaluated: 2026-07-01. Review status: criteria provided, single submitter. Criteria: ACMG Guidelines, 2015. Collection method: clinical testing. Allele origin: unknown. Inheritance: Autosomal recessive inheritance. Affected: yes.
Comment: Criteria applied: PVS1,PM2,PM3

Institute of Human Genetics, University of Leipzig Medical Center
Classification: Pathogenic for Primary ciliary dyskinesia 29. Last evaluated: 2026-07-01. Review status: criteria provided, single submitter. Criteria: ACMG Guidelines, 2015. Collection method: clinical testing. Allele origin: unknown. Inheritance: Autosomal recessive inheritance. Affected: yes.
Comment: the same text as in the submission from Institute of Human Genetics, University of Leipzig Medical Center above.